The following is an entry in ClinVar:

NM_020461.4(TUBGCP6):c.5189C>T (p.Ala1730Val)

Gene: TUBGCP6 (tubulin gamma complex component 6; minus strand). Cytogenetic location: 22q13.33.
Variant type: single nucleotide variant.
Coding change: c.5189C>T on transcript NM_020461.4 (MANE Select); coding-DNA position 5189, C replaced by T.
Protein change: p.Ala1730Val; replaces alanine 1730 with valine.
Molecular consequence: missense variant.
Genome position (GRCh38, 1-based): chr22:50,218,097, G>A on the plus strand (C>T on the coding strand, the complement: TUBGCP6 is on the minus strand). VCF-style: chr22-50218097-G-A. GRCh37 (hg19) VCF-style: chr22-50656526-G-A.
Other names: short protein forms A1730V.
Identifiers: ClinVar variation 1063660 (VCV001063660.9), dbSNP rs764792112, ClinGen allele CA10307128.
Genomic context (GRCh38, chr22:50,218,097, plus strand): 5'-TGGCTGCGGAACTTGAGCACGAGGCTGAAGATGCTGTGGATGACGTTCATGACGGGCGCC[G>A]CCTTCTCCGTGAGCAGGCCCCTGGGGGGAAGCAGTGCTGCTGGGTGGGCTGAGCCGTGAC-3'
Protein context (NP_065194.3, residues 1720-1740): AVFRGLLTEK[Ala1730Val]APVMNVIHSI

ClinVar aggregate classification (germline): Uncertain significance (1 of 4 stars; one submission).

Allele frequency attached by ClinVar (database versions not stated): TOPMed below 0.00001; gnomAD exomes 0.00001; ExAC 0.00002.
gnomAD v4.1: 15 of 1,612,680 alleles (0.00093%); highest among the groups gnomAD compares: Admixed American, 0.0017%; no homozygotes.

Submission:

Labcorp Genetics (formerly Invitae), Labcorp
Classification: Uncertain significance. Last evaluated: 2022-07-19. Review status: criteria provided, single submitter. Criteria: Invitae Variant Classification Sherloc (09022015). Collection method: clinical testing. Allele origin: germline.
Comment: In summary, the available evidence is currently insufficient to determine the role of this variant in disease. Therefore, it has been classified as a Variant of Uncertain Significance. Algorithms developed to predict the effect of sequence changes on RNA splicing suggest that this variant may create or strengthen a splice site. Algorithms developed to predict the effect of missense changes on protein structure and function are either unavailable or do not agree on the potential impact of this missense change (SIFT: "Tolerated"; PolyPhen-2: "Probably Damaging"; Align-GVGD: "Class C0"). ClinVar contains an entry for this variant (Variation ID: 1063660). This variant has not been reported in the literature in individuals affected with TUBGCP6-related conditions. This variant is present in population databases (rs764792112, gnomAD 0.01%). This sequence change replaces alanine, which is neutral and non-polar, with valine, which is neutral and non-polar, at codon 1730 of the TUBGCP6 protein (p.Ala1730Val).